The following is an entry in ClinVar:

ClinVar aggregate classification (germline): Benign/Likely benign. Review status: criteria provided, multiple submitters, no conflicts (2 of 4 stars). 4 submissions from 4 submitters: Benign (2); Likely benign (1). 1 of the submissions does not count toward it. Last evaluated 2026-02-01.

Conditions:
LRRC56-related disorder. Also called: LRRC56-related condition.

Allele frequency attached by ClinVar (database versions not stated): gnomAD exomes 0.00149 and 0.00205; ExAC 0.00251; gnomAD 0.00367 and 0.00374; ESP Exome Variant Server 0.00377; TOPMed 0.00393; 1000 Genomes Project 0.00439; 1000 Genomes Project 30x 0.00453.
gnomAD v4.1: 2,843 of 1,612,038 alleles (0.18%); highest among the groups gnomAD compares: Middle Eastern, 2.1%; 18 homozygotes.

Submissions (6):

Labcorp Genetics (formerly Invitae), Labcorp
Classification: Benign. Last evaluated: 2026-02-01. Review status: criteria provided, single submitter. Criteria: Invitae Variant Classification Sherloc (09022015). Collection method: clinical testing. Allele origin: germline.

Blueprint Genetics
Classification: Likely benign. Last evaluated: 2024-11-12. Review status: criteria provided, single submitter. Criteria: ACMG Guidelines, 2015. Collection method: clinical testing. Allele origin: germline.

Breakthrough Genomics
Classification: Benign. Review status: criteria provided, single submitter. Criteria: ACMG Guidelines, 2015. Collection method: not provided. Allele origin: germline. Inheritance: Autosomal recessive inheritance. Affected: yes.

PreventionGenetics, part of Exact Sciences
Classification: Benign for LRRC56-related condition. Last evaluated: 2019-02-22. Review status: no assertion criteria provided. Collection method: clinical testing. Allele origin: germline. Not counted in ClinVar's aggregate classification.
Comment: This variant is classified as benign based on ACMG/AMP sequence variant interpretation guidelines (Richards et al. 2015 PMID: 25741868, with internal and published modifications).

Dr. Peter K. Rogan Lab, Western University
No classification provided (evidence only). Condition: Familial cancer of breast. Review status: no classification provided. Collection method: in vitro. Allele origin: not applicable. Functional consequence: retained intron. Not counted in ClinVar's aggregate classification.

Dr. Peter K. Rogan Lab, Western University
No classification provided (evidence only). Condition: Acute myeloid leukemia. Review status: no classification provided. Collection method: in vitro. Allele origin: not applicable. Functional consequence: retained intron. Not counted in ClinVar's aggregate classification.

NM_198075.4(LRRC56):c.56G>A (p.Arg19Gln)

Gene: LRRC56 (leucine rich repeat containing 56; plus strand). Cytogenetic location: 11p15.5.
Variant type: single nucleotide variant.
Coding change: c.56G>A on transcript NM_198075.4 (MANE Select); coding-DNA position 56, G replaced by A.
Protein change: p.Arg19Gln; replaces arginine 19 with glutamine.
Molecular consequence: missense variant.
Genome position (GRCh38, 1-based): chr11:540,740, G>A. VCF-style: chr11-540740-G-A. GRCh37 (hg19) VCF-style: chr11-540740-G-A.
Other names: c.56G>A (NM_198075.3); short protein forms R19Q.
Identifiers: ClinVar variation 1618879 (VCV001618879.13), dbSNP rs144525570, ClinGen allele CA5779484.